The following is an entry in ClinVar:

ClinVar aggregate classification (germline): Pathogenic (1 of 4 stars; one submission).

Conditions:
Dilated cardiomyopathy 1G (CMD1G). Identifiers: Orphanet 154, MedGen C1858763, MONDO:0011400, OMIM 604145.
Autosomal recessive limb-girdle muscular dystrophy type 2J (LGMDR10). Also called: Limb-girdle muscular dystrophy, type 2J; MUSCULAR DYSTROPHY, LIMB-GIRDLE, AUTOSOMAL RECESSIVE 10. Identifiers: Orphanet 140922, MedGen C1837342, MONDO:0012127, OMIM 608807.

Submission:

Labcorp Genetics (formerly Invitae), Labcorp
Classification: Pathogenic for Dilated cardiomyopathy 1G; Autosomal recessive limb-girdle muscular dystrophy type 2J. Last evaluated: 2026-01-19. Review status: criteria provided, single submitter. Criteria: Invitae Variant Classification Sherloc (09022015). Collection method: clinical testing. Allele origin: germline.
Comment: This sequence change creates a premature translational stop signal (p.Trp22665delinsGlnLysPro*) in the TTN gene. While this is not anticipated to result in nonsense mediated decay, it is expected to create a truncated TTN protein. This variant is not present in population databases (gnomAD no frequency). This premature translational stop signal has been observed in individuals with dilated cardiomyopathy (internal data). ClinVar contains an entry for this variant (Variation ID: 3755086). This variant is located in the A band of TTN (PMID: 25589632). Truncating variants in this region are significantly overrepresented in patients affected with dilated cardiomyopathy (PMID: 25589632). Truncating variants in this region have also been reported in individuals affected with autosomal recessive centronuclear myopathy (PMID: 23975875). For these reasons, this variant has been classified as Pathogenic.

Literature cited by the submitters: PubMed 25589632; PubMed 23975875.

NM_001267550.2(TTN):c.67973_67992dup (p.Trp22665delinsGlnLysProTer)

Genes: TTN (titin; minus strand), TTN-AS1 (TTN antisense RNA 1; plus strand), LOC126806423 (CDK7 strongly-dependent group 2 enhancer GRCh37_chr2:179443309-179444508; plus strand). Cytogenetic location: 2q31.2.
Variant type: Duplication.
Coding change: c.67973_67992dup on transcript NM_001267550.2 (MANE Select); coding-DNA positions 67973 to 67992, 20 bases duplicated (CAGAAGCCATGACCTTAAAG).
Protein change: p.Trp22665delinsGlnLysProTer.
Molecular consequence: nonsense.
Genome position (GRCh38, 1-based): chr2:178,579,038-178,579,057, CTTTAAGGTCATGGCTTCTG duplicated on the plus strand (CAGAAGCCATGACCTTAAAG on the coding strand, the reverse complement: TTN is on the minus strand); duplicating any 20 consecutive bases within chr2:178,579,038-178,579,059 gives the same sequence; the c. name uses the placement nearest the transcript's 3' end. VCF-style (leftmost placement, unchanged base first): chr2-178579037-A-ACTTTAAGGTCATGGCTTCTG. GRCh37 (hg19) VCF-style: chr2-179443764-A-ACTTTAAGGTCATGGCTTCTG.
Other names: c.63050_63069dup, p.Trp21024delinsGlnLysProTer (NM_001256850.1); c.40778_40797dup, p.Trp13600delinsGlnLysProTer (NM_003319.4); c.60269_60288dup, p.Trp20097delinsGlnLysProTer (NM_133378.4); c.41153_41172dup, p.Trp13725delinsGlnLysProTer (NM_133432.3); c.41354_41373dup, p.Trp13792delinsGlnLysProTer (NM_133437.4).
Identifiers: ClinVar variation 3755086 (VCV003755086.2).